The following is an entry in ClinVar:

NM_000051.4(ATM):c.2930_2931del (p.Cys977fs)

Gene: ATM (ATM serine/threonine kinase; plus strand). Cytogenetic location: 11q22.3.
Variant type: Microsatellite.
Coding change: c.2930_2931del on transcript NM_000051.4 (MANE Select); coding-DNA positions 2930 to 2931, 2 bases deleted (GT; older notation c.2930_2931delGT).
Protein change: p.Cys977fs; shifts the reading frame from cysteine 977.
Molecular consequence: frameshift variant.
Genome position (GRCh38, 1-based): chr11:108,271,259-108,271,260, GT deleted; deleting any 2 consecutive bases within chr11:108,271,254-108,271,260 gives the same sequence; the c. name uses the placement nearest the transcript's 3' end. VCF-style (leftmost placement, unchanged base first): chr11-108271253-ATG-A. GRCh37 (hg19) VCF-style: chr11-108141980-ATG-A.
Other names: c.2930_2931del, p.Cys977fs (NM_001351834.2); c.2930_2931delGT (NM_000051.3); short protein forms C977fs.
Identifiers: ClinVar variation 524265 (VCV000524265.11), dbSNP rs1555084947, ClinGen allele CA658797789.
Genomic context (GRCh38, chr11:108,271,253, plus strand): 5'-TAACTGATGTGTTCTGTTAAGCTTATAAAGTTGAACTTTTTTTTTTTTTTTACCACAGCA[ATG>A]TGTGTTCTTTGTATCGTCGTGACCAAGATGTTTGTAAAACTATTTTAAACCATGTCCTTC-3'

ClinVar aggregate classification (germline): Pathogenic/Likely pathogenic. Review status: criteria provided, multiple submitters, no conflicts (2 of 4 stars). 4 submissions from 4 submitters: Pathogenic (3); Likely pathogenic (1). Last evaluated 2025-12-28.

Conditions:
Hereditary cancer-predisposing syndrome. Also called: Neoplastic Syndromes, Hereditary; Tumor predisposition; Hereditary Cancer Syndrome; Hereditary neoplastic syndrome. Identifiers: Orphanet 140162, MedGen C0027672, MeSH D009386, MONDO:0015356.
Familial cancer of breast. Also called: hereditary breast carcinoma; BREAST CANCER, FAMILIAL; Hereditary breast cancer. Identifiers: Orphanet 227535, MedGen C0346153, MONDO:0016419, OMIM 114480. Disease mechanism: loss of function.
Ataxia-telangiectasia syndrome (AT). Also called: ATAXIA-TELANGIECTASIA, COMPLEMENTATION GROUP A; ATAXIA-TELANGIECTASIA, FRESNO VARIANT; Ataxia-telangiectasia; Ataxia-telangiectasia, complementation group D; AT, COMPLEMENTATION GROUP C; Ataxia-telangiectasia, complementation group E. Identifiers: Orphanet 100, MedGen C0004135, MONDO:0008840, OMIM 208900.
Malignant tumor of breast. Also called: Cancer breast; Malignant breast neoplasm. Identifiers: MedGen C0006142, MONDO:0007254. Disease mechanism: loss of function.

Submissions (4):

Labcorp Genetics (formerly Invitae), Labcorp
Classification: Pathogenic for Ataxia-telangiectasia syndrome. Last evaluated: 2025-12-28. Review status: criteria provided, single submitter. Criteria: Invitae Variant Classification Sherloc (09022015). Collection method: clinical testing. Allele origin: germline.
Comment: This sequence change creates a premature translational stop signal (p.Cys977Phefs*6) in the ATM gene. It is expected to result in an absent or disrupted protein product. Loss-of-function variants in ATM are known to be pathogenic (PMID: 23807571, 25614872). This variant is not present in population databases (gnomAD no frequency). This variant has not been reported in the literature in individuals affected with ATM-related conditions. ClinVar contains an entry for this variant (Variation ID: 524265). For these reasons, this variant has been classified as Pathogenic.

Ambry Genetics
Classification: Pathogenic for Hereditary cancer-predisposing syndrome. Last evaluated: 2024-10-04. Review status: criteria provided, single submitter. Criteria: Ambry Variant Classification Scheme 2023. Collection method: clinical testing. Allele origin: germline.
Comment: The c.2930_2931delGT pathogenic mutation, located in coding exon 19 of the ATM gene, results from a deletion of two nucleotides at nucleotide positions 2930 to 2931, causing a translational frameshift with a predicted alternate stop codon (p.C977Ffs*6). This variant was reported in 1/60,466 breast cancer cases and in 0/53,461 controls (Dorling et al. N Engl J Med 2021 02;384:428-439). This variant is considered to be rare based on population cohorts in the Genome Aggregation Database (gnomAD). This alteration is expected to result in loss of function by premature protein truncation or nonsense-mediated mRNA decay. As such, this alteration is interpreted as a disease-causing mutation.

Myriad Genetics, Inc.
Classification: Pathogenic for Familial cancer of breast. Last evaluated: 2024-01-18. Review status: criteria provided, single submitter. Criteria: Myriad Autosomal Dominant, Autosomal Recessive and X-Linked Classification Criteria (2023). Collection method: clinical testing. Allele origin: unknown.
Comment: This variant is considered pathogenic. This variant creates a frameshift predicted to result in premature protein truncation.

Women's Health and Genetics/Laboratory Corporation of America, LabCorp
Classification: Likely pathogenic for Malignant tumor of breast. Last evaluated: 2022-04-28. Review status: criteria provided, single submitter. Criteria: LabCorp Variant Classification Summary - May 2015. Collection method: clinical testing. Allele origin: germline.
Comment: Variant summary: ATM c.2930_2931delGT (p.Cys977PhefsX6) results in a premature termination codon, predicted to cause a truncation of the encoded protein or absence of the protein due to nonsense mediated decay, which are commonly known mechanisms for disease. Truncations downstream of this position have been classified as pathogenic by our laboratory. The variant was absent in 250842 control chromosomes (gnomAD). c.2930_2931delGT has been reported in the literature in individuals affected with Breast Cancer (Dorling_2021), however this report does not provide unequivocal conclusions about association of the variant with Breast Cancer. To our knowledge, no experimental evidence demonstrating an impact on protein function has been reported. One ClinVar submitter has assessed this variant since 2014: the variant was classified as pathogenic. Based on the evidence outlined above, the variant was classified as likely pathogenic.

Literature cited by the submitters: PubMed 23807571 (cited by Labcorp Genetics (formerly Invitae), Labcorp); PubMed 25614872 (cited by Labcorp Genetics (formerly Invitae), Labcorp); PubMed 33471991 (cited by Ambry Genetics and Women's Health and Genetics/Laboratory Corporation of America, LabCorp).